The following is an entry in ClinVar:

NM_001130438.3(SPTAN1):c.5285G>A (p.Arg1762Gln)

Gene: SPTAN1 (spectrin alpha, non-erythrocytic 1; plus strand). Cytogenetic location: 9q34.11.
Variant type: single nucleotide variant.
Coding change: c.5285G>A on transcript NM_001130438.3 (MANE Select); coding-DNA position 5285, G replaced by A.
Protein change: p.Arg1762Gln; replaces arginine 1762 with glutamine.
Molecular consequence: missense variant.
Genome position (GRCh38, 1-based): chr9:128,615,768, G>A. VCF-style: chr9-128615768-G-A. GRCh37 (hg19) VCF-style: chr9-131378047-G-A.
Other names: c.5210G>A, p.Arg1737Gln (NM_001195532.2); c.5285G>A, p.Arg1762Gln (NM_001363759.2, NM_001375310.1, NM_001375311.2 and 1 more transcripts); c.5225G>A, p.Arg1742Gln (NM_001363765.2, NM_001375314.2); c.5321G>A, p.Arg1774Gln (NM_001375312.2, NM_001375318.1); c.5270G>A, p.Arg1757Gln (NM_003127.4); short protein forms R1757Q, R1774Q, R1737Q, R1742Q, R1762Q.
Identifiers: ClinVar variation 2051911 (VCV002051911.4), dbSNP rs150427953, ClinGen allele CA5265418.

ClinVar aggregate classification (germline): Uncertain significance (1 of 4 stars; one submission).

Conditions:
Early-infantile DEE. Also called: Ohtahara syndrome; Early infantile epileptic encephalopathy; Early infantile epileptic encephalopathy with suppression bursts. Identifiers: Orphanet 1934, MedGen C0393706, MONDO:0800491.

Allele frequency attached by ClinVar (database versions not stated): ExAC 0.00001; gnomAD exomes 0.00001; ESP Exome Variant Server 0.00008.
gnomAD v4.1: 5 of 1,614,226 alleles (0.00031%); highest among the groups gnomAD compares: Middle Eastern, 0.016%; no homozygotes.

Submission:

Labcorp Genetics (formerly Invitae), Labcorp
Classification: Uncertain significance for Early-infantile DEE. Last evaluated: 2024-04-29. Review status: criteria provided, single submitter. Criteria: Invitae Variant Classification Sherloc (09022015). Collection method: clinical testing. Allele origin: germline.
Comment: This sequence change replaces arginine, which is basic and polar, with glutamine, which is neutral and polar, at codon 1762 of the SPTAN1 protein (p.Arg1762Gln). This variant is present in population databases (rs150427953, gnomAD 0.002%). This variant has not been reported in the literature in individuals affected with SPTAN1-related conditions. ClinVar contains an entry for this variant (Variation ID: 2051911). Advanced modeling of protein sequence and biophysical properties (such as structural, functional, and spatial information, amino acid conservation, physicochemical variation, residue mobility, and thermodynamic stability) has been performed at Invitae for this missense variant, however the output from this modeling did not meet the statistical confidence thresholds required to predict the impact of this variant on SPTAN1 protein function. In summary, the available evidence is currently insufficient to determine the role of this variant in disease. Therefore, it has been classified as a Variant of Uncertain Significance.